The following is an entry in ClinVar:

ClinVar aggregate classification (germline): Uncertain significance (1 of 4 stars; one submission).

Allele frequency attached by ClinVar (database versions not stated): 1000 Genomes Project 30x 0.00031; 1000 Genomes Project 0.00040.
gnomAD v4.1: 32 of 1,552,290 alleles (0.0021%); highest among the groups gnomAD compares: East Asian, 0.046%; no homozygotes.

Submission:

Labcorp Genetics (formerly Invitae), Labcorp
Classification: Uncertain significance. Last evaluated: 2026-01-12. Review status: criteria provided, single submitter. Criteria: Invitae Variant Classification Sherloc (09022015). Collection method: clinical testing. Allele origin: germline.
Comment: This sequence change replaces proline, which is neutral and non-polar, with leucine, which is neutral and non-polar, at codon 523 of the LAMC3 protein (p.Pro523Leu). This variant is present in population databases (rs535331935, gnomAD 0.1%). This variant has not been reported in the literature in individuals affected with LAMC3-related conditions. ClinVar contains an entry for this variant (Variation ID: 1402354). An algorithm developed to predict the effect of missense changes on protein structure and function outputs the following: PolyPhen-2: "Benign". The leucine amino acid residue is found in multiple mammalian species, which suggests that this missense change does not adversely affect protein function. In summary, the available evidence is currently insufficient to determine the role of this variant in disease. Therefore, it has been classified as a Variant of Uncertain Significance.

NM_006059.4(LAMC3):c.1568C>T (p.Pro523Leu)

Gene: LAMC3 (laminin subunit gamma 3; plus strand). Cytogenetic location: 9q34.12.
Variant type: single nucleotide variant.
Coding change: c.1568C>T on transcript NM_006059.4 (MANE Select); coding-DNA position 1568, C replaced by T.
Protein change: p.Pro523Leu; replaces proline 523 with leucine.
Molecular consequence: missense variant.
Genome position (GRCh38, 1-based): chr9:131,049,068, C>T. VCF-style: chr9-131049068-C-T. GRCh37 (hg19) VCF-style: chr9-133924455-C-T.
Other names: short protein forms P523L.
Identifiers: ClinVar variation 1402354 (VCV001402354.5), dbSNP rs535331935, ClinGen allele CA5287131.